The following is an entry in ClinVar:

ClinVar aggregate classification (germline): Uncertain significance. Review status: criteria provided, multiple submitters, no conflicts (2 of 4 stars). 2 submissions from 2 submitters: Uncertain significance (2). Last evaluated 2025-12-15.

Allele frequency attached by ClinVar (database versions not stated): gnomAD exomes 0.00002; TOPMed 0.00007; gnomAD 0.00006.
gnomAD v4.1: 37 of 1,613,948 alleles (0.0023%); highest among the groups gnomAD compares: Admixed American, 0.015%; no homozygotes.

Submissions (2):

Labcorp Genetics (formerly Invitae), Labcorp
Classification: Uncertain significance. Last evaluated: 2025-12-15. Review status: criteria provided, single submitter. Criteria: Invitae Variant Classification Sherloc (09022015). Collection method: clinical testing. Allele origin: germline.
Comment: This sequence change replaces valine, which is neutral and non-polar, with methionine, which is neutral and non-polar, at codon 730 of the KIF20A protein (p.Val730Met). This variant is present in population databases (no rsID available, gnomAD 0.003%). This variant has not been reported in the literature in individuals affected with KIF20A-related conditions. ClinVar contains an entry for this variant (Variation ID: 3114596). An algorithm developed to predict the effect of missense changes on protein structure and function (PolyPhen-2) suggests that this variant is likely to be disruptive. In summary, the available evidence is currently insufficient to determine the role of this variant in disease. Therefore, it has been classified as a Variant of Uncertain Significance.

Ambry Genetics
Classification: Uncertain significance. Last evaluated: 2023-10-14. Review status: criteria provided, single submitter. Criteria: Ambry Variant Classification Scheme 2023. Collection method: clinical testing. Allele origin: germline.

NM_005733.3(KIF20A):c.2188G>A (p.Val730Met)

Gene: KIF20A (kinesin family member 20A; plus strand). Cytogenetic location: 5q31.2.
Variant type: single nucleotide variant.
Coding change: c.2188G>A on transcript NM_005733.3 (MANE Select); coding-DNA position 2188, G replaced by A.
Protein change: p.Val730Met; replaces valine 730 with methionine.
Molecular consequence: missense variant.
Genome position (GRCh38, 1-based): chr5:138,186,023, G>A. VCF-style: chr5-138186023-G-A. GRCh37 (hg19) VCF-style: chr5-137521712-G-A.
Other names: short protein forms V730M.
Identifiers: ClinVar variation 3114596 (VCV003114596.3), dbSNP rs918846252, ClinGen allele CA128187231.